The following is an entry in ClinVar:

NM_014844.5(TECPR2):c.6_7dup (p.Ser3fs)

Gene: TECPR2 (tectonin beta-propeller repeat containing 2; plus strand). Cytogenetic location: 14q32.31.
Variant type: Duplication.
Coding change: c.6_7dup on transcript NM_014844.5 (MANE Select); coding-DNA positions 6 to 7, 2 bases duplicated (AT; older notation c.6_7dupAT).
Protein change: p.Ser3fs; shifts the reading frame from serine 3.
Molecular consequence: frameshift variant.
Genome position (GRCh38, 1-based): chr14:102,376,727-102,376,728, AT duplicated. VCF-style (leftmost placement, unchanged base first): chr14-102376726-C-CAT. GRCh37 (hg19) VCF-style: chr14-102843063-C-CAT.
Other names: c.6_7dup, p.Ser3fs (NM_001172631.3); short protein forms S3fs.
Identifiers: ClinVar variation 5004806 (VCV005004806.1).

ClinVar aggregate classification (germline): Pathogenic (1 of 4 stars; one submission).

Conditions:
Hereditary spastic paraplegia 49 (HSAN9). Also called: Spastic paraplegia 49, autosomal recessive; NEUROPATHY, HEREDITARY SENSORY AND AUTONOMIC, TYPE IX, WITH DEVELOPMENTAL DELAY; TECPR2-Related Hereditary Sensory and Autonomic Neuropathy with Intellectual Disability. Identifiers: Orphanet 320385, MedGen C5190860, MONDO:0014016, OMIM 615031.

Submission:

Myriad Genetics, Inc.
Classification: Pathogenic for Hereditary spastic paraplegia 49. Last evaluated: 2026-07-22. Review status: criteria provided, single submitter. Criteria: Myriad Autosomal Dominant, Autosomal Recessive and X-Linked Classification Criteria (2023). Collection method: clinical testing. Allele origin: unknown.
Comment: NM_014844.3(TECPR2):c.6_7dupAT(S3Yfs*66) is a frameshift variant classified as pathogenic in the context of spastic paraplegia, TECPR2-related. S3Yfs*66 has not been observed in cases with relevant disease. Relevant functional assessments of this variant are not available in the literature. S3Yfs*66 has not been observed in referenced population frequency databases. In summary, NM_014844.3(TECPR2):c.6_7dupAT(S3Yfs*66) is a frameshift variant in a gene where loss of function is a known mechanism of disease and is predicted to disrupt protein function. Please note: this variant was assessed in the context of healthy population screening.